The following is an entry in ClinVar:

NC_000010.11:g.77854371del

Gene: DLG5 (discs large MAGUK scaffold protein 5; minus strand). Cytogenetic location: 10q22.3.
Variant type: Deletion.
Genome position: GRCh38 VCF-style: chr10-77854369-GC-G. GRCh37 (hg19) VCF-style: chr10-79614127-GC-G.
Identifiers: ClinVar variation 4850924 (VCV004850924.1).
Genomic context (GRCh38, chr10:77,854,369, plus strand): 5'-ACATGGCTCGCACGCACTGGATCTTCAGCCTCTCATAGTCAGGATTCAGCCTGTGGTAGG[GC>G]CTGGCCCAGAGAGCGAATGGCCCCATGAACACAGGCCCCAGGATTCACACGGATAGAGGA-3'

ClinVar aggregate classification (germline): Uncertain significance (1 of 4 stars; one submission).

Conditions:
Fetal anomalies with a likely genetic cause.

Submission:

Genetics Laboratory, Great Ormond Street Hospital NHS Foundation Trust, North Thames Genomic Laboratory Hub
Classification: Uncertain significance for Fetal anomalies with a likely genetic cause. Last evaluated: 2026-03-20. Review status: criteria provided, single submitter. Criteria: ACGS Best Practice Guidelines for Variant Classification in Rare Disease 2024 v1.2. Collection method: clinical testing. Allele origin: germline. Affected: yes.
Comment: PM2_moderate, PVS1_moderate